The following is an entry in ClinVar:

ClinVar aggregate classification (germline): Uncertain significance (1 of 4 stars; one submission).

Conditions:
Ataxia-telangiectasia syndrome (AT). Also called: Ataxia-telangiectasia, complementation group D; AT, COMPLEMENTATION GROUP C; Ataxia telangiectasia (A-T); Cerebello-oculocutaneous telangiectasia; Immunodeficiency with ataxia telangiectasia; ATAXIA-TELANGIECTASIA, COMPLEMENTATION GROUP A. Identifiers: Orphanet 100, MedGen C0004135, MONDO:0008840, OMIM 208900.

Submission:

Labcorp Genetics (formerly Invitae), Labcorp
Classification: Uncertain significance for Ataxia-telangiectasia syndrome. Last evaluated: 2019-12-11. Review status: criteria provided, single submitter. Criteria: Invitae Variant Classification Sherloc (09022015). Collection method: clinical testing. Allele origin: germline.
Comment: In summary, the available evidence is currently insufficient to determine the role of this variant in disease. Therefore, it has been classified as a Variant of Uncertain Significance. Algorithms developed to predict the effect of missense changes on protein structure and function are either unavailable or do not agree on the potential impact of this missense change (SIFT: "Deleterious"; PolyPhen-2: "Benign"; Align-GVGD: "Class C25"). This variant has not been reported in the literature in individuals with ATM-related disease. This variant is not present in population databases (ExAC no frequency). This sequence change replaces aspartic acid with alanine at codon 1485 of the ATM protein (p.Asp1485Ala). The aspartic acid residue is moderately conserved and there is a moderate physicochemical difference between aspartic acid and alanine.

NM_000051.4(ATM):c.4454A>C (p.Asp1485Ala)

Gene: ATM (ATM serine/threonine kinase; plus strand). Cytogenetic location: 11q22.3.
Variant type: single nucleotide variant.
Coding change: c.4454A>C on transcript NM_000051.4 (MANE Select); coding-DNA position 4454, A replaced by C.
Protein change: p.Asp1485Ala; replaces aspartic acid 1485 with alanine.
Molecular consequence: missense variant.
Genome position (GRCh38, 1-based): chr11:108,292,636, A>C. VCF-style: chr11-108292636-A-C. GRCh37 (hg19) VCF-style: chr11-108163363-A-C.
Other names: c.4454A>C, p.Asp1485Ala (NM_001351834.2); short protein forms D1485A.
Identifiers: ClinVar variation 662560 (VCV000662560.8), dbSNP rs1555099762, ClinGen allele CA382532996.
Genomic context (GRCh38, chr11:108,292,636, plus strand): 5'-AGAACTTACTGGTTGTTGTTGTTTTTTTTTCTCCCTATATTAGGCCTTCTTGTATCATGG[A>C]TGTGTCATTACGTAGCTTCTCCCTTTGTTGTGACTTATTAAGTCAGGTTTGCCAGACAGC-3'
Protein context (NP_000042.3, residues 1475-1495): YINQRPSCIM[Asp1485Ala]VSLRSFSLCC